The following is an entry in ClinVar:

NM_003924.4(PHOX2B):c.776_777insGGCGGCCGCGGCAGCGGCGGC (p.Ala260_Gly261insAlaAlaAlaAlaAlaAlaAla)

Genes: PHOX2B (paired like homeobox 2B; minus strand), LOC110011216 (paired like homeobox 2b polyalanine repeat instability region; plus strand). Cytogenetic location: 4p13.
Variant type: Microsatellite.
Coding change: c.776_777insGGCGGCCGCGGCAGCGGCGGC on transcript NM_003924.4 (MANE Select); coding-DNA positions 776 to 777, GGCGGCCGCGGCAGCGGCGGC inserted.
Protein change: p.Ala260_Gly261insAlaAlaAlaAlaAlaAlaAla.
Molecular consequence: inframe insertion. On other transcripts: frameshift variant (2).
Genome position: GRCh38 VCF-style: chr4-41745975-T-TGCCGCCGCTGCCGCGGCCGCC. GRCh37 (hg19) VCF-style: chr4-41747992-T-TGCCGCCGCTGCCGCGGCCGCC.
Other names: c.763_776GGC[2][1], p.Ala255Glyfs (NM_003924.3); c.776_777insGGCGGCCGCGGCAGCGGCGGC (NM_003924.3).
Identifiers: ClinVar variation 1760500 (VCV001760500.3), dbSNP rs2552096799.

ClinVar aggregate classification (germline): Pathogenic. Review status: criteria provided, single submitter (1 of 4 stars). 2 submissions from 2 submitters: Pathogenic (1). 1 of the submissions does not count toward it. Last evaluated 2017-10-25.

Conditions:
Hereditary cancer-predisposing syndrome. Also called: Neoplastic Syndromes, Hereditary; Tumor predisposition; Hereditary Cancer Syndrome; Hereditary neoplastic syndrome. Identifiers: Orphanet 140162, MedGen C0027672, MeSH D009386, MONDO:0015356.
PHOX2B-related disorder. Also called: PHOX2B-related condition.

Submissions (2):

Ambry Genetics
Classification: Pathogenic for Hereditary cancer-predisposing syndrome. Last evaluated: 2017-10-25. Review status: criteria provided, single submitter. Criteria: Ambry Variant Classification Scheme 2023. Collection method: clinical testing. Allele origin: germline.
Comment: The p.Ala241[27] pathogenic mutation, located in coding exon 3 of the PHOX2B gene, results from an expansion of the polyalanine repeat region from 20 to 27 repeats. This expansion mutation is associated with congenital central hypoventilation syndrome (Amiel J et al. Nat. Genet., 2003 Apr;33:459-61; Matera I et al. J. Med. Genet., 2004 May;41:373-80). Based on the supporting evidence, this alteration is interpreted as a disease-causing mutation.

PreventionGenetics, part of Exact Sciences
Classification: Pathogenic for PHOX2B-related condition. Last evaluated: 2024-06-14. Review status: no assertion criteria provided. Collection method: clinical testing. Allele origin: germline. Not counted in ClinVar's aggregate classification.
Comment: The PHOX2B c.776_777insGGCGGCCGCGGCAGCGGCGGC variant is predicted to result in an in-frame amino acid insertion (p.Ala254_Ala260dup). This variant results in an expansion of the polyalanine repeat region from 20 repeats (normal) to 27 repeats (abnormal). An expansion of this size has previously been reported to be causative for CCHS and has also been associated with Hirschsprung Disease (Lai and Schroer. 2008. PubMed ID: 18230845, Serra et al. 2010. PubMed ID: 20456320). This variant has not been reported in a large population database, indicating it is rare. This variant is interpreted as pathogenic.

Literature cited by the submitters: PubMed 12640453 (cited by Ambry Genetics); PubMed 15121777 (cited by Ambry Genetics).